The following is an entry in ClinVar:

ClinVar aggregate classification (germline): Uncertain significance (1 of 4 stars; one submission).

Submission:

Labcorp Genetics (formerly Invitae), Labcorp
Classification: Uncertain significance. Last evaluated: 2024-11-05. Review status: criteria provided, single submitter. Criteria: Invitae Variant Classification Sherloc (09022015). Collection method: clinical testing. Allele origin: germline.
Comment: This sequence change replaces glutamine, which is neutral and polar, with histidine, which is basic and polar, at codon 509 of the TUBGCP4 protein (p.Gln509His). This variant is not present in population databases (gnomAD no frequency). This variant has not been reported in the literature in individuals affected with TUBGCP4-related conditions. ClinVar contains an entry for this variant (Variation ID: 1515320). Invitae Evidence Modeling of protein sequence and biophysical properties (such as structural, functional, and spatial information, amino acid conservation, physicochemical variation, residue mobility, and thermodynamic stability) indicates that this missense variant is not expected to disrupt TUBGCP4 protein function with a negative predictive value of 80%. In summary, the available evidence is currently insufficient to determine the role of this variant in disease. Therefore, it has been classified as a Variant of Uncertain Significance.

NM_014444.5(TUBGCP4):c.1524G>C (p.Gln508His)

Gene: TUBGCP4 (tubulin gamma complex component 4; plus strand). Cytogenetic location: 15q15.3.
Variant type: single nucleotide variant.
Coding change: c.1524G>C on transcript NM_014444.5 (MANE Select); coding-DNA position 1524, G replaced by C.
Protein change: p.Gln508His; replaces glutamine 508 with histidine.
Molecular consequence: missense variant.
Genome position (GRCh38, 1-based): chr15:43,400,149, G>C. VCF-style: chr15-43400149-G-C. GRCh37 (hg19) VCF-style: chr15-43692347-G-C.
Other names: c.1527G>C, p.Gln509His (NM_001286414.3); short protein forms Q508H, Q509H.
Identifiers: ClinVar variation 1515320 (VCV001515320.6), dbSNP rs2142875666, ClinGen allele CA392136210.